The following is an entry in ClinVar:

NM_001130009.3(GEN1):c.404C>T (p.Ala135Val)

Gene: GEN1 (GEN1 structure-specific endonuclease; plus strand). Cytogenetic location: 2p24.2.
Variant type: single nucleotide variant.
Coding change: c.404C>T on transcript NM_001130009.3 (MANE Select); coding-DNA position 404, C replaced by T.
Protein change: p.Ala135Val; replaces alanine 135 with valine.
Molecular consequence: missense variant.
Genome position (GRCh38, 1-based): chr2:17,764,952, C>T. VCF-style: chr2-17764952-C-T. GRCh37 (hg19) VCF-style: chr2-17946219-C-T.
Other names: c.404C>T, p.Ala135Val (NM_182625.5); short protein forms A135V.
Identifiers: ClinVar variation 4842207 (VCV004842207.1).
Genomic context (GRCh38, chr2:17,764,952, plus strand): 5'-TTCAGTGCCTCCATATGCTCGAATGCTTAGGAATCCCCTGGGTTCAGGCTGCTGGGGAAG[C>T]TGAAGCCATGTGTGCTTATCTCAATGCTGGTGGTCATGTCGATGGCTGCCTCACCAATGA-3'
Protein context (NP_001123481.3, residues 125-145): GIPWVQAAGE[Ala135Val]EAMCAYLNAG

ClinVar aggregate classification (germline): Uncertain significance (1 of 4 stars; one submission).

Submission:

Ambry Genetics
Classification: Uncertain significance. Last evaluated: 2026-01-03. Review status: criteria provided, single submitter. Criteria: Ambry Variant Classification Scheme 2023. Collection method: clinical testing. Allele origin: germline.
Comment: The p.A135V variant (also known as c.404C>T), located in coding exon 3 of the GEN1 gene, results from a C to T substitution at nucleotide position 404. The alanine at codon 135 is replaced by valine, an amino acid with similar properties. This amino acid position is conserved. In addition, this alteration is predicted to be deleterious by in silico analysis. Based on the available evidence, the clinical significance of this variant remains unclear.